The following is an entry in ClinVar:

ClinVar aggregate classification (germline): Uncertain significance. Review status: criteria provided, multiple submitters, no conflicts (2 of 4 stars). 2 submissions from 2 submitters: Uncertain significance (2). Last evaluated 2026-08-20.

Conditions:
PLEC-related disorder. Also called: PLEC-related condition; PLEC-related disorders.
Epidermolysis bullosa simplex, Ogna type (EBS5A). Also called: Pidermolysis bullosa simplex 5A, Ogna type; EPIDERMOLYSIS BULLOSA SIMPLEX 5A, OGNA TYPE. Identifiers: Orphanet 79401, MedGen C0432317, MONDO:0007555, OMIM 131950.
Autosomal recessive limb-girdle muscular dystrophy type 2Q (LGMDR17). Also called: MUSCULAR DYSTROPHY, LIMB-GIRDLE, AUTOSOMAL RECESSIVE 17. Identifiers: Orphanet 254361, MedGen C3150989, MONDO:0013390, OMIM 613723.
Epidermolysis bullosa simplex with nail dystrophy (EBS5D). Identifiers: MedGen C4225309, MONDO:0014661, OMIM 616487.
Epidermolysis bullosa simplex 5C, with pyloric atresia (EBS5C). Also called: PLEC-Related Epidermolysis Bullosa with Pyloric Atresia; Epidermolysis bullosa simplex with pyloric atresia; PLEC1-Related Epidermolysis Bullosa with Pyloric Atresia. Identifiers: Orphanet 158684, MedGen C2677349, MONDO:0012807, OMIM 612138.
Epidermolysis bullosa simplex 5B, with muscular dystrophy (EBS5B). Also called: Epidermolysis bullosa simplex with muscular dystrophy; EPIDERMOLYSIS BULLOSA SIMPLEX AND LIMB-GIRDLE MUSCULAR DYSTROPHY. Identifiers: Orphanet 257, MedGen C2931072, MONDO:0009181, OMIM 226670.

gnomAD v4.1: 18 of 1,611,854 alleles (0.0011%); highest among the groups gnomAD compares: South Asian, 0.015%; no homozygotes.

Submissions (2):

PreventionGenetics, part of Exact Sciences
Classification: Uncertain significance for PLEC-related condition. Last evaluated: 2026-08-20. Review status: criteria provided, single submitter. Criteria: ACMG Guidelines, 2015. Collection method: clinical testing. Allele origin: germline.
Comment: The PLEC c.7288G>T variant is predicted to result in the amino acid substitution p.Ala2430Ser. To our knowledge, this variant has not been reported in the literature. This variant is reported in 0.0033% of alleles in individuals of South Asian descent in gnomAD. At this time, the clinical significance of this variant is uncertain due to the absence of conclusive functional and genetic evidence.

Labcorp Genetics (formerly Invitae), Labcorp
Classification: Uncertain significance for Autosomal recessive limb-girdle muscular dystrophy type 2Q; Epidermolysis bullosa simplex, Ogna type; Epidermolysis bullosa simplex with nail dystrophy; Epidermolysis bullosa simplex 5C, with pyloric atresia; Epidermolysis bullosa simplex 5B, with muscular dystrophy. Last evaluated: 2023-06-19. Review status: criteria provided, single submitter. Criteria: Invitae Variant Classification Sherloc (09022015). Collection method: clinical testing. Allele origin: germline.
Comment: This sequence change replaces alanine, which is neutral and non-polar, with serine, which is neutral and polar, at codon 2430 of the PLEC protein (p.Ala2430Ser). This variant is present in population databases (rs782320305, gnomAD 0.003%). This variant has not been reported in the literature in individuals affected with PLEC-related conditions. An algorithm developed to predict the effect of missense changes on protein structure and function (PolyPhen-2) suggests that this variant is likely to be disruptive. In summary, the available evidence is currently insufficient to determine the role of this variant in disease. Therefore, it has been classified as a Variant of Uncertain Significance.

NM_201384.3(PLEC):c.7207G>T (p.Ala2403Ser)

Gene: PLEC (plectin; minus strand). Cytogenetic location: 8q24.3.
Variant type: single nucleotide variant.
Coding change: c.7207G>T on transcript NM_201384.3 (MANE Select); coding-DNA position 7207, G replaced by T.
Protein change: p.Ala2403Ser; replaces alanine 2403 with serine.
Molecular consequence: missense variant. On other transcripts: intron variant (1).
Genome position (GRCh38, 1-based): chr8:143,922,722, C>A on the plus strand (G>T on the coding strand, the complement: PLEC is on the minus strand). VCF-style: chr8-143922722-C-A. GRCh37 (hg19) VCF-style: chr8-144996890-C-A.
Other names: c.7288G>T (NM_000445.4); c.7288G>T, p.Ala2430Ser (NM_000445.5); c.7165G>T, p.Ala2389Ser (NM_201378.4); c.7141G>T, p.Ala2381Ser (NM_201379.3); c.7618G>T, p.Ala2540Ser (NM_201380.4); c.7111G>T, p.Ala2371Ser (NM_201381.3); c.7207G>T, p.Ala2403Ser (NM_201382.4); c.7219G>T, p.Ala2407Ser (NM_201383.3); and 1 more; short protein forms A2371S, A2403S, A2407S, A2430S, A2540S, A2381S, A2389S.
Identifiers: ClinVar variation 2931155 (VCV002931155.4), dbSNP rs782320305, ClinGen allele CA4925727.